The following is an entry in ClinVar:

NM_000548.5(TSC2):c.571C>T (p.Leu191Phe)

Gene: TSC2 (TSC complex subunit 2; plus strand). Cytogenetic location: 16p13.3.
Variant type: single nucleotide variant.
Coding change: c.571C>T on transcript NM_000548.5 (MANE Select); coding-DNA position 571, C replaced by T.
Protein change: p.Leu191Phe; replaces leucine 191 with phenylalanine.
Molecular consequence: missense variant. On other transcripts: intron variant (1).
Genome position (GRCh38, 1-based): chr16:2,055,491, C>T. VCF-style: chr16-2055491-C-T. GRCh37 (hg19) VCF-style: chr16-2105492-C-T.
Other names: c.571C>T, p.Leu191Phe (NM_001077183.3, NM_001114382.3, NM_001363528.2 and 3 more transcripts); c.460C>T, p.Leu154Phe (NM_001318827.2); c.424C>T, p.Leu142Phe (NM_001318829.2); c.604C>T, p.Leu202Phe (NM_001318832.2); c.-1-705C>T (NM_001318831.2); short protein forms L191F, L202F, L154F, L142F.
Identifiers: ClinVar variation 535954 (VCV000535954.10), dbSNP rs1555498201, ClinGen allele CA394309670.
Genomic context (GRCh38, chr16:2,055,491, plus strand): 5'-GGCTTGTCCTCGGAATTCCTTCTGGTGCTGGTGAACTTGGTCAAATTCAATAGCTGTTAC[C>T]TCGACGAGTACATCGCAAGGATGGTTCAGTAAGAAAAGAATTGAGATCCTGTTCTGATAA-3'
Protein context (NP_000539.2, residues 181-201): VNLVKFNSCY[Leu191Phe]DEYIARMVQM

ClinVar aggregate classification (germline): Uncertain significance. Review status: criteria provided, multiple submitters, no conflicts (2 of 4 stars). 2 submissions from 2 submitters: Uncertain significance (2). Last evaluated 2025-06-23.

Conditions:
Tuberous sclerosis syndrome (TSC). Also called: Tuberous Sclerosis Complex; Tuberous sclerosis. Identifiers: Orphanet 805, MedGen C0041341, MONDO:0001734.
Tuberous sclerosis 2 (TSC2). Identifiers: Orphanet 805, MedGen C1860707, MONDO:0013199, OMIM 613254.

Submissions (2):

Color Diagnostics, LLC DBA Color Health
Classification: Uncertain significance for Tuberous sclerosis syndrome. Last evaluated: 2025-06-23. Review status: criteria provided, single submitter. Criteria: ACMG Guidelines, 2015. Collection method: clinical testing. Allele origin: germline.
Comment: This missense variant replaces leucine with phenylalanine at codon 191 of the TSC2 protein. Computational prediction is inconclusive regarding the impact of this variant on protein structure and function. To our knowledge, functional studies have not been reported for this variant. This variant has not been reported in individuals affected with TSC2-related disorders in the literature. This variant has not been identified in the general population by the Genome Aggregation Database (gnomAD). The available evidence is insufficient to determine the role of this variant in disease conclusively. Therefore, this variant is classified as a Variant of Uncertain Significance.

Labcorp Genetics (formerly Invitae), Labcorp
Classification: Uncertain significance for Tuberous sclerosis 2. Last evaluated: 2021-02-18. Review status: criteria provided, single submitter. Criteria: Invitae Variant Classification Sherloc (09022015). Collection method: clinical testing. Allele origin: germline.
Comment: In summary, the available evidence is currently insufficient to determine the role of this variant in disease. Therefore, it has been classified as a Variant of Uncertain Significance. This sequence change replaces leucine with phenylalanine at codon 191 of the TSC2 protein (p.Leu191Phe). The leucine residue is highly conserved and there is a small physicochemical difference between leucine and phenylalanine. This variant is not present in population databases (ExAC no frequency). This variant has not been reported in the literature in individuals with TSC2-related disease. Algorithms developed to predict the effect of missense changes on protein structure and function do not agree on the potential impact of this missense change (SIFT: "Deleterious"; PolyPhen-2: "Benign"; Align-GVGD: "Class C15").